The following is an entry in ClinVar:

NM_004360.5(CDH1):c.49-12C>T

Gene: CDH1 (cadherin 1; plus strand). Cytogenetic location: 16q22.1.
Variant type: single nucleotide variant.
Coding change: c.49-12C>T on transcript NM_004360.5 (MANE Select); 12 bases into the intron before coding-DNA position 49, C replaced by T.
Molecular consequence: intron variant.
Genome position (GRCh38, 1-based): chr16:68,738,285, C>T. VCF-style: chr16-68738285-C-T. GRCh37 (hg19) VCF-style: chr16-68772188-C-T.
Other names: c.-1567-12C>T (NM_001317185.2); c.-1771-12C>T (NM_001317186.2); c.49-12C>T (NM_001317184.2).
Identifiers: ClinVar variation 1900056 (VCV001900056.6), dbSNP rs1450631843, ClinGen allele CA623140012.

ClinVar aggregate classification (germline): Likely benign. Review status: criteria provided, multiple submitters, no conflicts (2 of 4 stars). 2 submissions from 2 submitters: Likely benign (2). Last evaluated 2025-07-29.

Conditions:
Hereditary diffuse gastric adenocarcinoma (HDGC). Also called: DIFFUSE GASTRIC AND LOBULAR BREAST CANCER SYNDROME. Identifiers: Orphanet 26106, MedGen C1708349, MONDO:0007648, OMIM 137215.

Allele frequency attached by ClinVar (database versions not stated): gnomAD exomes 0.00001.
gnomAD v4.1: 9 of 1,522,926 alleles (0.00059%); highest among the groups gnomAD compares: South Asian, 0.0096%; no homozygotes.

Submissions (2):

Labcorp Genetics (formerly Invitae), Labcorp
Classification: Likely benign for Hereditary diffuse gastric adenocarcinoma. Last evaluated: 2025-07-29. Review status: criteria provided, single submitter. Criteria: Invitae Variant Classification Sherloc (09022015). Collection method: clinical testing. Allele origin: germline.

Myriad Genetics, Inc.
Classification: Likely benign for Hereditary diffuse gastric adenocarcinoma. Last evaluated: 2024-09-11. Review status: criteria provided, single submitter. Criteria: Myriad Autosomal Dominant, Autosomal Recessive and X-Linked Classification Criteria (2023). Collection method: clinical testing. Allele origin: unknown.
Comment: This variant is considered likely benign. This variant is intronic and is not expected to impact mRNA splicing.